The following is an entry in ClinVar:

ClinVar aggregate classification (germline): Uncertain significance. Review status: criteria provided, multiple submitters, no conflicts (2 of 4 stars). 3 submissions from 3 submitters: Uncertain significance (3). Last evaluated 2025-02-21.

Conditions:
Cardiovascular phenotype. Identifiers: MedGen CN230736.
Ehlers-Danlos syndrome (EDS). Identifiers: Orphanet 98249, MedGen C0013720, MONDO:0020066.

Allele frequency attached by ClinVar (database versions not stated): ExAC 0.00002; gnomAD exomes 0.00002 and 0.00005; gnomAD 0.00003 and 0.00004; TOPMed 0.00003.
gnomAD v4.1: 85 of 1,606,046 alleles (0.0053%); highest among the groups gnomAD compares: Non-Finnish European, 0.0068%; no homozygotes.

Submissions (3):

GeneDx
Classification: Uncertain significance. Last evaluated: 2025-02-21. Review status: criteria provided, single submitter. Criteria: GeneDx Variant Classification Process June 2021. Collection method: clinical testing. Allele origin: germline. Affected: yes.
Comment: In silico analysis supports that this missense variant has a deleterious effect on protein structure/function; Has not been previously published as pathogenic or benign to our knowledge

Ambry Genetics
Classification: Uncertain significance for Cardiovascular phenotype. Last evaluated: 2024-02-12. Review status: criteria provided, single submitter. Criteria: Ambry Variant Classification Scheme 2023. Collection method: clinical testing. Allele origin: germline.
Comment: The p.Y348C variant (also known as c.1043A>G), located in coding exon 10 of the PRDM5 gene, results from an A to G substitution at nucleotide position 1043. The tyrosine at codon 348 is replaced by cysteine, an amino acid with highly dissimilar properties. This amino acid position is conserved. In addition, the in silico prediction for this alteration is inconclusive. Since supporting evidence is limited at this time, the clinical significance of this alteration remains unclear.

Genome Diagnostics Laboratory, The Hospital for Sick Children
Classification: Uncertain significance for Ehlers-Danlos syndrome. Last evaluated: 2019-12-01. Review status: criteria provided, single submitter. Criteria: ACMG Guidelines, 2015. Collection method: clinical testing. Allele origin: germline.

NM_018699.4(PRDM5):c.1043A>G (p.Tyr348Cys)

Gene: PRDM5 (PR/SET domain 5; minus strand). Cytogenetic location: 4q27.
Variant type: single nucleotide variant.
Coding change: c.1043A>G on transcript NM_018699.4 (MANE Select); coding-DNA position 1043, A replaced by G.
Protein change: p.Tyr348Cys; replaces tyrosine 348 with cysteine.
Molecular consequence: missense variant.
Genome position (GRCh38, 1-based): chr4:120,798,412, T>C on the plus strand (A>G on the coding strand, the complement: PRDM5 is on the minus strand). VCF-style: chr4-120798412-T-C. GRCh37 (hg19) VCF-style: chr4-121719567-T-C.
Other names: c.950A>G, p.Tyr317Cys (NM_001300823.2, NM_001300824.2, NM_001379106.1); c.1076A>G, p.Tyr359Cys (NM_001379104.1); short protein forms Y317C, Y348C, Y359C.
Identifiers: ClinVar variation 1702264 (VCV001702264.6), dbSNP rs750825490, ClinGen allele CA3061161.